The following is an entry in ClinVar:

NM_001457.4(FLNB):c.4391-787T>C

Gene: FLNB (filamin B; plus strand). Cytogenetic location: 3p14.3.
Variant type: single nucleotide variant.
Coding change: c.4391-787T>C on transcript NM_001457.4 (MANE Select); 787 bases into the intron before coding-DNA position 4391, T replaced by C.
Molecular consequence: intron variant. On other transcripts: splice donor variant (1).
Genome position (GRCh38, 1-based): chr3:58,132,021, T>C. VCF-style: chr3-58132021-T-C. GRCh37 (hg19) VCF-style: chr3-58117748-T-C.
Other names: c.4483+2T>C (NM_001164317.2); c.4391-787T>C (NM_001164318.2, NM_001164319.2).
Identifiers: ClinVar variation 252547 (VCV000252547.3), dbSNP rs373720589, ClinGen allele CA2468756.

ClinVar aggregate classification (germline): Uncertain significance. Review status: criteria provided, multiple submitters, no conflicts (2 of 4 stars). 2 submissions from 2 submitters: Uncertain significance (2). Last evaluated 2024-12-27.

Allele frequency attached by ClinVar (database versions not stated): 1000 Genomes Project 0.00060; gnomAD 0.00137 and 0.00146; gnomAD exomes 0.00012 and 0.00035; ESP Exome Variant Server 0.00241; ExAC 0.00040; 1000 Genomes Project 30x 0.00062; TOPMed 0.00140.
gnomAD v4.1: 382 of 1,530,466 alleles (0.025%); highest among the groups gnomAD compares: African/African-American, 0.42%; no homozygotes.

Submissions (2):

ARUP Laboratories, Molecular Genetics and Genomics, ARUP Laboratories
Classification: Uncertain significance. Last evaluated: 2024-12-27. Review status: criteria provided, single submitter. Criteria: ARUP Molecular Germline Variant Investigation Process 2024. Collection method: clinical testing. Allele origin: germline.
Comment: The FLNB c.4483+2T>C variant (rs373720589) is found in an alternative transcript and, to our knowledge, is not reported in the medical literature but is reported in ClinVar (Variation ID: 252547). This variant is found in the African/African American population with an allele frequency of 0.441% (72/16312 alleles) in the Genome Aggregation Database (v2.1.1). This variant disrupts the canonical splice donor site of intron 26. However, exon 25 of NM_001164317.2 is not included on all transcript isoforms of FLNB (including NM_001457), and thus this impact of this variant on overall gene function is not clear. While the high population frequency suggests that this is likely a benign variant, given the lack of clinical and functional data, the significance of this variant is uncertain at this time.

Genomic Diagnostic Laboratory, Division of Genomic Diagnostics, Children's Hospital of Philadelphia
Classification: Uncertain significance. Last evaluated: 2015-10-20. Review status: criteria provided, single submitter. Criteria: DGD Variant Analysis Guidelines. Collection method: clinical testing. Allele origin: unknown.